The following is an entry in ClinVar:

ClinVar aggregate classification (germline): Uncertain significance (1 of 4 stars; one submission).

Allele frequency attached by ClinVar (database versions not stated): gnomAD 0.00001.
gnomAD v4.1: 2 of 1,614,034 alleles (0.00012%); highest among the groups gnomAD compares: African/African-American, 0.0013%; no homozygotes.

Submission:

Labcorp Genetics (formerly Invitae), Labcorp
Classification: Uncertain significance. Last evaluated: 2024-04-08. Review status: criteria provided, single submitter. Criteria: Invitae Variant Classification Sherloc (09022015). Collection method: clinical testing. Allele origin: germline.
Comment: This sequence change replaces valine, which is neutral and non-polar, with methionine, which is neutral and non-polar, at codon 165 of the IDH3A protein (p.Val165Met). This variant is present in population databases (no rsID available, gnomAD 0.01%). This variant has not been reported in the literature in individuals affected with IDH3A-related conditions. ClinVar contains an entry for this variant (Variation ID: 1346947). Advanced modeling of protein sequence and biophysical properties (such as structural, functional, and spatial information, amino acid conservation, physicochemical variation, residue mobility, and thermodynamic stability) performed at Invitae indicates that this missense variant is not expected to disrupt IDH3A protein function with a negative predictive value of 80%. In summary, the available evidence is currently insufficient to determine the role of this variant in disease. Therefore, it has been classified as a Variant of Uncertain Significance.

NM_005530.3(IDH3A):c.493G>A (p.Val165Met)

Gene: IDH3A (isocitrate dehydrogenase (NAD(+)) 3 catalytic subunit alpha; plus strand). Cytogenetic location: 15q25.1.
Variant type: single nucleotide variant.
Coding change: c.493G>A on transcript NM_005530.3 (MANE Select); coding-DNA position 493, G replaced by A.
Protein change: p.Val165Met; replaces valine 165 with methionine.
Molecular consequence: missense variant.
Genome position (GRCh38, 1-based): chr15:78,162,249, G>A. VCF-style: chr15-78162249-G-A. GRCh37 (hg19) VCF-style: chr15-78454591-G-A.
Other names: short protein forms V165M.
Identifiers: ClinVar variation 1346947 (VCV001346947.8), dbSNP rs1232666947, ClinGen allele CA393542871.